The following is an entry in ClinVar:

NM_007194.4(CHEK2):c.1281C>A (p.Phe427Leu)

Gene: CHEK2 (checkpoint kinase 2; minus strand). Cytogenetic location: 22q12.1.
Variant type: single nucleotide variant.
Coding change: c.1281C>A on transcript NM_007194.4 (MANE Select); coding-DNA position 1281, C replaced by A.
Protein change: p.Phe427Leu; replaces phenylalanine 427 with leucine.
Molecular consequence: missense variant.
Genome position (GRCh38, 1-based): chr22:28,695,221, G>T on the plus strand (C>A on the coding strand, the complement: CHEK2 is on the minus strand). VCF-style: chr22-28695221-G-T. GRCh37 (hg19) VCF-style: chr22-29091209-G-T.
Other names: c.1410C>A, p.Phe470Leu (NM_001005735.3); c.618C>A, p.Phe206Leu (NM_001257387.3); c.1080C>A, p.Phe360Leu (NM_001349956.3); c.1194C>A, p.Phe398Leu (NM_145862.3); short protein forms F360L, F427L, F206L, F398L, F470L.
Identifiers: ClinVar variation 3723929 (VCV003723929.2).

ClinVar aggregate classification (germline): Uncertain significance (1 of 4 stars; one submission).

Conditions:
Familial cancer of breast. Also called: Hereditary breast cancer; BREAST CANCER, FAMILIAL; hereditary breast carcinoma. Identifiers: Orphanet 227535, MedGen C0346153, MONDO:0016419, OMIM 114480. Disease mechanism: loss of function.

Submission:

Labcorp Genetics (formerly Invitae), Labcorp
Classification: Uncertain significance for Familial cancer of breast. Last evaluated: 2024-12-30. Review status: criteria provided, single submitter. Criteria: Invitae Variant Classification Sherloc (09022015). Collection method: clinical testing. Allele origin: germline.
Comment: This sequence change replaces phenylalanine, which is neutral and non-polar, with leucine, which is neutral and non-polar, at codon 427 of the CHEK2 protein (p.Phe427Leu). This variant is not present in population databases (gnomAD no frequency). This missense change has been observed in individual(s) with breast cancer (PMID: 22114986). An algorithm developed to predict the effect of missense changes on protein structure and function (PolyPhen-2) suggests that this variant is likely to be disruptive. In summary, the available evidence is currently insufficient to determine the role of this variant in disease. Therefore, it has been classified as a Variant of Uncertain Significance.

Literature cited by the submitters: PubMed 22114986.